The following is an entry in ClinVar:

NM_153676.4(USH1C):c.651A>G (p.Val217=)

Gene: USH1C (USH1 protein network component harmonin; minus strand). Cytogenetic location: 11p15.1.
Variant type: single nucleotide variant.
Coding change: c.651A>G on transcript NM_153676.4 (MANE Select); coding-DNA position 651, A replaced by G.
Protein change: p.Val217=; no amino-acid change (valine 217 retained).
Molecular consequence: synonymous variant. On other transcripts: non-coding transcript variant (1).
Genome position (GRCh38, 1-based): chr11:17,526,370, T>C on the plus strand (A>G on the coding strand, the complement: USH1C is on the minus strand). VCF-style: chr11-17526370-T-C. GRCh37 (hg19) VCF-style: chr11-17547917-T-C.
Other names: p.V217V:GTA>GTG; c.651A>G, p.Val217= (NM_001297764.2, NM_005709.4).
Identifiers: ClinVar variation 48021 (VCV000048021.22), dbSNP rs75977878, ClinGen allele CA142392.
Genomic context (GRCh38, chr11:17,526,370, plus strand): 5'-TGGCCACGAATGACCCCAGGGCATGCCTGCCACCCACCTGCAGCCAAGGCCTCGGGAGCC[T>C]ACCAGGCTGATGAAGACCTTCTTCTCCTTGTTTTCCCGATTTCCAGGGGAGCCCAGGCTG-3'
Protein context (NP_710142.1, residues 207-227): NKEKKVFISL[Val217=]GSRGLGCSIS

ClinVar aggregate classification (germline): Benign. Review status: criteria provided, multiple submitters, no conflicts (2 of 4 stars). 7 submissions from 7 submitters: Benign (6). 1 of the submissions does not count toward it. Last evaluated 2026-02-02.

Conditions:
Usher syndrome type 1C. Also called: USHER SYNDROME, TYPE I, ACADIAN VARIETY. Identifiers: Orphanet 231169, Orphanet 886, MedGen C1848604, MONDO:0010171, OMIM 276904.

Allele frequency attached by ClinVar (database versions not stated): gnomAD exomes 0.00256 and 0.00657; ExAC 0.00818; gnomAD 0.02410 and 0.02584; TOPMed 0.02699; 1000 Genomes Project 0.02796; ESP Exome Variant Server 0.02911; 1000 Genomes Project 30x 0.02936.
gnomAD v4.1: 7,598 of 1,614,004 alleles (0.47%); highest among the groups gnomAD compares: African/African-American, 8.3%; 289 homozygotes.

Submissions (7):

Labcorp Genetics (formerly Invitae), Labcorp
Classification: Benign. Last evaluated: 2026-02-02. Review status: criteria provided, single submitter. Criteria: Invitae Variant Classification Sherloc (09022015). Collection method: clinical testing. Allele origin: germline.

Athena Diagnostics
Classification: Benign. Last evaluated: 2018-11-12. Review status: criteria provided, single submitter. Criteria: Athena Diagnostics Criteria. Collection method: clinical testing. Allele origin: germline.

Illumina Laboratory Services, Illumina
Classification: Benign for Usher syndrome type 1C. Last evaluated: 2018-01-13. Review status: criteria provided, single submitter. Criteria: ICSL Variant Classification Criteria 13 December 2019. Collection method: clinical testing. Allele origin: germline.
Comment: This variant was observed in the ICSL laboratory as part of a predisposition screen in an ostensibly healthy population. It had not been previously curated by ICSL or reported in the Human Gene Mutation Database (HGMD: prior to June 1st, 2018), and was therefore a candidate for classification through an automated scoring system. Utilizing variant allele frequency, disease prevalence and penetrance estimates, and inheritance mode, an automated score was calculated to assess if this variant is too frequent to cause the disease. Based on the score and internal cut-off values, a variant classified as benign is not then subjected to further curation. The score for this variant resulted in a classification of benign for this disease.

GeneDx
Classification: Benign. Last evaluated: 2014-01-02. Review status: criteria provided, single submitter. Criteria: GeneDx Variant Classification (06012015). Collection method: clinical testing. Allele origin: germline. Affected: yes.
Comment: This variant is considered likely benign or benign based on one or more of the following criteria: it is a conservative change, it occurs at a poorly conserved position in the protein, it is predicted to be benign by multiple in silico algorithms, and/or has population frequency not consistent with disease.

Laboratory for Molecular Medicine, Mass General Brigham Personalized Medicine
Classification: Benign. Last evaluated: 2011-06-28. Review status: criteria provided, single submitter. Criteria: LMM Criteria. Collection method: clinical testing. Allele origin: germline. Observed: 44 variant alleles.
Comment: Val217Val in exon 8 of USH1C: This variant is not expected to have clinical sign ificance because it does not alter an amino acid residue and is not located near a splice junction and is found in over 1% of cases.

Breakthrough Genomics
Classification: Benign. Review status: criteria provided, single submitter. Criteria: ACMG Guidelines, 2015. Collection method: not provided. Allele origin: germline. Inheritance: Autosomal recessive inheritance. Affected: yes.

Natera, Inc.
Classification: Benign for Usher syndrome type 1C. Last evaluated: 2020-09-16. Review status: no assertion criteria provided. Collection method: clinical testing. Allele origin: germline. Not counted in ClinVar's aggregate classification.